The following is an entry in ClinVar:

NM_001243279.3(ACSF3):c.633C>T (p.Gly211=)

Gene: ACSF3 (acyl-CoA synthetase family member 3; plus strand). Cytogenetic location: 16q24.3.
Variant type: single nucleotide variant.
Coding change: c.633C>T on transcript NM_001243279.3 (MANE Select); coding-DNA position 633, C replaced by T.
Protein change: p.Gly211=; no amino-acid change (glycine 211 retained).
Molecular consequence: synonymous variant. On other transcripts: non-coding transcript variant (3), intron variant (1).
Genome position (GRCh38, 1-based): chr16:89,101,314, C>T. VCF-style: chr16-89101314-C-T. GRCh37 (hg19) VCF-style: chr16-89167722-C-T.
Other names: c.633C>T, p.Gly211= (NM_001127214.4, NM_174917.5); c.-129-1290C>T (NM_001284316.2).
Identifiers: ClinVar variation 791012 (VCV000791012.16), dbSNP rs140941507, ClinGen allele CA8237714.

ClinVar aggregate classification (germline): Benign/Likely benign. Review status: criteria provided, multiple submitters, no conflicts (2 of 4 stars). 4 submissions from 4 submitters: Benign (1); Likely benign (1). 2 of the submissions do not count toward it. Last evaluated 2026-01-28.

Conditions:
Combined malonic and methylmalonic acidemia. Identifiers: Orphanet 289504, MedGen C3280314, MONDO:0013661, OMIM 614265.
ACSF3-related disorder. Also called: ACSF3-related condition.

Allele frequency attached by ClinVar (database versions not stated): gnomAD exomes 0.00012 and 0.00026; 1000 Genomes Project 30x 0.00047; ExAC 0.00050; 1000 Genomes Project 0.00060; gnomAD 0.00060 and 0.00061; TOPMed 0.00061; ESP Exome Variant Server 0.00073.
gnomAD v4.1: 268 of 1,598,610 alleles (0.017%); highest among the groups gnomAD compares: African/African-American, 0.15%; 1 homozygote.

Submissions (6):

Labcorp Genetics (formerly Invitae), Labcorp
Classification: Benign for Combined malonic and methylmalonic acidemia. Last evaluated: 2026-01-28. Review status: criteria provided, single submitter. Criteria: Invitae Variant Classification Sherloc (09022015). Collection method: clinical testing. Allele origin: germline.

Blueprint Genetics
Classification: Likely benign. Last evaluated: 2024-10-02. Review status: criteria provided, single submitter. Criteria: ACMG Guidelines, 2015. Collection method: clinical testing. Allele origin: germline.

PreventionGenetics, part of Exact Sciences
Classification: Likely benign for ACSF3-related condition. Last evaluated: 2022-10-15. Review status: no assertion criteria provided. Collection method: clinical testing. Allele origin: germline. Not counted in ClinVar's aggregate classification.
Comment: This variant is classified as likely benign based on ACMG/AMP sequence variant interpretation guidelines (Richards et al. 2015 PMID: 25741868, with internal and published modifications).

Natera, Inc.
Classification: Uncertain significance for Combined malonic and methylmalonic aciduria. Last evaluated: 2020-01-24. Review status: no assertion criteria provided. Collection method: clinical testing. Allele origin: germline. Not counted in ClinVar's aggregate classification.

Dr. Peter K. Rogan Lab, Western University
No classification provided (evidence only). Condition: Cervical cancer. Review status: no classification provided. Collection method: in vitro. Allele origin: not applicable. Functional consequence: retained intron. Not counted in ClinVar's aggregate classification.

Dr. Peter K. Rogan Lab, Western University
No classification provided (evidence only). Condition: Nonpapillary renal cell carcinoma. Review status: no classification provided. Collection method: in vitro. Allele origin: not applicable. Functional consequence: skipped exon, retained intron. Not counted in ClinVar's aggregate classification.